The following is an entry in ClinVar:

NM_005199.5(CHRNG):c.1021_1022delinsTT (p.Arg341Leu)

Gene: CHRNG (cholinergic receptor nicotinic gamma subunit; plus strand). Cytogenetic location: 2q37.1.
Variant type: Indel.
Coding change: c.1021_1022delinsTT on transcript NM_005199.5 (MANE Select); coding-DNA positions 1021 to 1022, CG replaced by TT.
Protein change: p.Arg341Leu; replaces arginine 341 with leucine.
Molecular consequence: missense variant.
Genome position (GRCh38, 1-based): chr2:232,543,685-232,543,686, CG replaced by TT. VCF-style: chr2-232543685-CG-TT. GRCh37 (hg19) VCF-style: chr2-233408395-CG-TT.
Other names: short protein forms R341L.
Identifiers: ClinVar variation 4292754 (VCV004292754.1).
Genomic context (GRCh38, chr2:232,543,685, plus strand): 5'-GTGAATGCTGTGGTTGTGCTCAATGTCTCCTTGCGGTCTCCACACACACACTCCATGGCC[CG>TT]AGGGGTCCGCAAGGCAAGGACCCTCCCTGCCCACTTCAACATCCCGCTGCCCACTCCCCT-3'
Protein context (NP_005190.4, residues 331-351): LRSPHTHSMA[Arg341Leu]GVRKVFLRLL

ClinVar aggregate classification (germline): Uncertain significance (1 of 4 stars; one submission).

Conditions:
Autosomal recessive multiple pterygium syndrome. Also called: MULTIPLE PTERYGIUM SYNDROME, ESCOBAR VARIANT; PTERYGIUM COLLI SYNDROME; PTERYGIUM SYNDROME; PTERYGIUM UNIVERSALE. Identifiers: Orphanet 2990, MedGen C0265261, MONDO:0009926, OMIM 265000.

Submission:

3billion
Classification: Uncertain significance for Autosomal recessive multiple pterygium syndrome. Last evaluated: 2024-11-28. Review status: criteria provided, single submitter. Criteria: ACMG Guidelines, 2015. Collection method: clinical testing. Allele origin: germline. Affected: yes.
Comment: The variant is observed at an extremely low frequency in the gnomAD v4.1.0 dataset (total allele frequency: <0.001%). Predicted Consequence/Location: Stop-gained (nonsense): predicted to result in a loss or disruption of normal protein function through nonsense-mediated decay (NMD) or protein truncation. Multiple pathogenic variants are reported downstream of the variant. Therefore, this variant is classified as VUS according to the recommendation of ACMG/AMP guideline.